The following is an entry in ClinVar:

ClinVar aggregate classification (germline): Likely benign. Review status: criteria provided, multiple submitters, no conflicts (2 of 4 stars). 2 submissions from 2 submitters: Likely benign (2). Last evaluated 2025-09-27.

Conditions:
Pitt-Hopkins-like syndrome 2 (PTHSL2). Identifiers: Orphanet 221150, Orphanet 600663, MedGen C3280479, MONDO:0013690, OMIM 614325.

Allele frequency attached by ClinVar (database versions not stated): gnomAD exomes below 0.00001 and 0.00001; ExAC 0.00001; gnomAD 0.00001; TOPMed 0.00001.
gnomAD v4.1: 23 of 1,613,290 alleles (0.0014%); highest among the groups gnomAD compares: Non-Finnish European, 0.0019%; no homozygotes.

Submissions (2):

Labcorp Genetics (formerly Invitae), Labcorp
Classification: Likely benign for Pitt-Hopkins-like syndrome 2. Last evaluated: 2025-09-27. Review status: criteria provided, single submitter. Criteria: Invitae Variant Classification Sherloc (09022015). Collection method: clinical testing. Allele origin: germline.

GeneDx
Classification: Likely benign. Last evaluated: 2017-04-18. Review status: criteria provided, single submitter. Criteria: GeneDx Variant Classification (06012015). Collection method: clinical testing. Allele origin: germline. Affected: yes.
Comment: This variant is considered likely benign or benign based on one or more of the following criteria: it is a conservative change, it occurs at a poorly conserved position in the protein, it is predicted to be benign by multiple in silico algorithms, and/or has population frequency not consistent with disease.

NM_001330078.2(NRXN1):c.3547-16C>G

Gene: NRXN1 (neurexin 1; minus strand). Cytogenetic location: 2p16.3.
Variant type: single nucleotide variant.
Coding change: c.3547-16C>G on transcript NM_001330078.2 (MANE Select); 16 bases into the intron before coding-DNA position 3547, C replaced by G.
Molecular consequence: intron variant.
Genome position (GRCh38, 1-based): chr2:50,091,510, G>C on the plus strand (C>G on the coding strand, the complement: NRXN1 is on the minus strand). VCF-style: chr2-50091510-G-C. GRCh37 (hg19) VCF-style: chr2-50318648-G-C.
Other names: c.3436-16C>G (NM_001330096.2, NM_001330087.2); c.3481-16C>G (NM_001330083.2, NM_001330084.2); c.3466-16C>G (NM_001330088.2); c.3544-16C>G (NM_001330093.2); c.3535-16C>G (NM_001330094.2); c.3496-16C>G (NM_001330095.2); c.3523-16C>G (NM_001330082.2, NM_001330077.2); c.3520-16C>G (NM_001330085.2); and 3 more.
Identifiers: ClinVar variation 509040 (VCV000509040.8), dbSNP rs756210249, ClinGen allele CA1654426.